The following is an entry in ClinVar:

NM_007315.4(STAT1):c.1632+1G>A

Gene: STAT1 (signal transducer and activator of transcription 1; minus strand). Cytogenetic location: 2q32.2.
Variant type: single nucleotide variant.
Coding change: c.1632+1G>A on transcript NM_007315.4 (MANE Select); the canonical splice donor site of the intron after coding-DNA position 1632, G replaced by A.
Molecular consequence: splice donor variant.
Genome position (GRCh38, 1-based): chr2:190,980,619, C>T on the plus strand (G>A on the coding strand, the complement: STAT1 is on the minus strand). VCF-style: chr2-190980619-C-T. GRCh37 (hg19) VCF-style: chr2-191845345-C-T.
Other names: c.1542+1G>A (NM_001384890.1); c.1533+1G>A (NM_001384883.1); c.1473+1G>A (NM_001384885.1); c.1539+1G>A (NM_001384887.1); c.1572+1G>A (NM_001384880.1); c.1602+1G>A (NM_001384888.1); c.1626+1G>A (NM_001384882.1); c.1632+1G>A (NM_001384889.1, NM_001384886.1, NM_139266.3); and 2 more.
Identifiers: ClinVar variation 1994979 (VCV001994979.4), dbSNP rs1559007960, ClinGen allele CA349914653.

ClinVar aggregate classification (germline): Likely pathogenic (1 of 4 stars; one submission).

Conditions:
Immunodeficiency 31B. Also called: STAT1 DEFICIENCY, AUTOSOMAL RECESSIVE; IMMUNODEFICIENCY 31B, MYCOBACTERIAL AND VIRAL INFECTIONS, AUTOSOMAL RECESSIVE. Identifiers: Orphanet 391311, MedGen C3151088, MONDO:0013427, OMIM 613796.
Autoimmune enteropathy and endocrinopathy - susceptibility to chronic infections syndrome. Also called: Immunodeficiency 31C; Immunodeficiency 31C, autosomal dominant. Identifiers: Orphanet 391487, MedGen C3279990, MONDO:0013599, OMIM 614162.
Mendelian susceptibility to mycobacterial diseases due to partial STAT1 deficiency. Also called: Immunodeficiency 31a; IMMUNODEFICIENCY 31A, MYCOBACTERIOSIS, AUTOSOMAL DOMINANT; STAT1 DEFICIENCY, AUTOSOMAL DOMINANT. Identifiers: Orphanet 319595, MedGen C4013950, MONDO:0013956, OMIM 614892.

Submission:

Labcorp Genetics (formerly Invitae), Labcorp
Classification: Likely pathogenic for Mendelian susceptibility to mycobacterial diseases due to partial STAT1 deficiency; Immunodeficiency 31B; Autoimmune enteropathy and endocrinopathy - susceptibility to chronic infections syndrome. Last evaluated: 2022-05-22. Review status: criteria provided, single submitter. Criteria: Invitae Variant Classification Sherloc (09022015). Collection method: clinical testing. Allele origin: germline.
Comment: Algorithms developed to predict the effect of sequence changes on RNA splicing suggest that this variant may disrupt the consensus splice site. This variant has not been reported in the literature in individuals affected with STAT1-related conditions. This variant is not present in population databases (gnomAD no frequency). This sequence change affects a donor splice site in intron 19 of the STAT1 gene. It is expected to disrupt RNA splicing. Variants that disrupt the donor or acceptor splice site typically lead to a loss of protein function (PMID: 16199547), and loss-of-function variants in STAT1 are known to be pathogenic (PMID: 22651901). In summary, the currently available evidence indicates that the variant is pathogenic, but additional data are needed to prove that conclusively. Therefore, this variant has been classified as Likely Pathogenic.

Literature cited by the submitters: PubMed 16199547; PubMed 22651901.